The following is an entry in ClinVar:

NM_004370.6(COL12A1):c.6067+1G>A

Gene: COL12A1 (collagen type XII alpha 1 chain; minus strand). Cytogenetic location: 6q13.
Variant type: single nucleotide variant.
Coding change: c.6067+1G>A on transcript NM_004370.6 (MANE Select); the canonical splice donor site of the intron after coding-DNA position 6067, G replaced by A.
Molecular consequence: splice donor variant.
Genome position (GRCh38, 1-based): chr6:75,130,851, C>T on the plus strand (G>A on the coding strand, the complement: COL12A1 is on the minus strand). VCF-style: chr6-75130851-C-T. GRCh37 (hg19) VCF-style: chr6-75840567-C-T.
Other names: c.2575+1G>A (NM_080645.3).
Identifiers: ClinVar variation 986252 (VCV000986252.10), dbSNP rs1766265062, ClinGen allele CA364732273.

ClinVar aggregate classification (germline): Conflicting classifications of pathogenicity. Review status: criteria provided, conflicting classifications (1 of 4 stars). 4 submissions from 4 submitters: Likely pathogenic (2); Uncertain significance (1). 1 of the submissions does not count toward it. Last evaluated 2023-07-17.

Conditions:
Myopathic Ehlers-Danlos syndrome. Identifiers: MedGen C5680153.
Inborn genetic diseases. Identifiers: MedGen C0950123, MeSH D030342.
Ullrich congenital muscular dystrophy 2 (UCMD2). Identifiers: Orphanet 75840, MedGen C4225314, MONDO:0014654, OMIM 616470.
Bethlem myopathy 2 (BTHLM2). Identifiers: Orphanet 536516, Orphanet 610, MedGen C4225313, MONDO:0034022, OMIM 616471.

gnomAD v4.1: 1 of 1,613,972 alleles (0.000062%); highest among the groups gnomAD compares: Non-Finnish European, 0.000085%; no homozygotes.

Submissions (4):

Victorian Clinical Genetics Services, Murdoch Childrens Research Institute
Classification: Likely pathogenic for Ullrich congenital muscular dystrophy 2. Last evaluated: 2023-07-17. Review status: criteria provided, single submitter. Criteria: ACMG Guidelines, 2015. Collection method: clinical testing. Allele origin: germline. Inheritance: Autosomal recessive inheritance. Affected: yes.
Comment: Based on the classification scheme VCGS_Germline_v1.3.4, this variant is classified as Likely pathogenic. Following criteria are met: 0104 - Dominant negative is a known mechanism of disease in this gene for glycine substitutions and is associated with Bethlem myopathy (MIM#616471; PMID: 24334769). Loss of function (LoF) is suspected to be the mechanism of disease for autosomal recessive Ullrich congenital muscular dystrophy 2 (MIM#616470); however, only two individuals with biallelic PTC variants have been described in the literature to date (PMIDs: 28973083, 24334604). Many other PTC variants have been classified as pathogenic or likely pathogenic by clinical laboratories in ClinVar. Currently, evidence for LoF variants causing dominant disease is limited (PMID: 31273343). (I) 0108 - This gene is associated with both recessive and dominant disease (OMIM). (I) 0211 - Canonical splice site variant without proven consequence on splicing (no functional evidence available). (SP) 0252 - This variant is homozygous. (I) 0301 - Variant is absent from gnomAD (both v2 and v3). (SP) 0505 - Abnormal splicing is predicted by in silico tools and affected nucleotide is highly conserved. (SP) 0808 - Previous reports of pathogenicity for this variant are conflicting. This variant has been classified as a VUS, and more recently as likely pathogenic by clinical laboratories in ClinVar. (I) 0905 - No published segregation evidence has been identified for this variant. (I) 1007 - No published functional evidence has been identified for this variant. (I) Legend: (SP) - Supporting pathogenic, (I) - Information, (SB) - Supporting benign

Labcorp Genetics (formerly Invitae), Labcorp
Classification: Likely pathogenic for Bethlem myopathy 2; Ullrich congenital muscular dystrophy 2. Last evaluated: 2022-10-10. Review status: criteria provided, single submitter. Criteria: Invitae Variant Classification Sherloc (09022015). Collection method: clinical testing. Allele origin: germline.
Comment: In summary, the currently available evidence indicates that the variant is pathogenic, but additional data are needed to prove that conclusively. Therefore, this variant has been classified as Likely Pathogenic. Algorithms developed to predict the effect of sequence changes on RNA splicing suggest that this variant may disrupt the consensus splice site. ClinVar contains an entry for this variant (Variation ID: 986252). This variant has not been reported in the literature in individuals affected with COL12A1-related conditions. This variant is not present in population databases (gnomAD no frequency). This sequence change affects a donor splice site in intron 36 of the COL12A1 gene. It is expected to disrupt RNA splicing. Variants that disrupt the donor or acceptor splice site typically lead to a loss of protein function (PMID: 16199547), and loss-of-function variants in COL12A1 are known to be pathogenic (PMID: 24334604, 28973083).

Ambry Genetics
Classification: Uncertain significance for Inborn genetic diseases. Last evaluated: 2019-09-24. Review status: criteria provided, single submitter. Criteria: Ambry exome assertion method (8-5-2015). Collection method: clinical testing. Allele origin: germline. Affected: yes. Observed: 1 variant allele.

Department of Neurology, National Center Hospital, National Center of Neurology and Psychiatry
Classification: Pathogenic for Myopathic Ehlers-Danlos syndrome. Last evaluated: 2025-10-08. Review status: no assertion criteria provided. Collection method: research. Allele origin: paternal, maternal. Affected: yes. Observed: 2 compound heterozygotes. Clinical features observed: Hypotonia, Muscle weakness. Not counted in ClinVar's aggregate classification.
Comment: Predicted to disrupt canonical splice donor site (intron 36). Absent in gnomAD.

Literature cited by the submitters: PubMed 24334604 (cited by Victorian Clinical Genetics Services, Murdoch Childrens Research Institute and Labcorp Genetics (formerly Invitae), Labcorp); PubMed 24334769 (cited by Victorian Clinical Genetics Services, Murdoch Childrens Research Institute); PubMed 28973083 (cited by Victorian Clinical Genetics Services, Murdoch Childrens Research Institute and Labcorp Genetics (formerly Invitae), Labcorp); PubMed 31273343 (cited by Victorian Clinical Genetics Services, Murdoch Childrens Research Institute); PubMed 16199547 (cited by Labcorp Genetics (formerly Invitae), Labcorp); DOI 10.1016/j.ejmg.2025.105057 (cited by Department of Neurology, National Center Hospital, National Center of Neurology and Psychiatry).